The following is an entry in ClinVar:

ClinVar aggregate classification (germline): Likely benign (0 of 4 stars; one submission).

Conditions:
PKD1-related disorder. Also called: PKD1-related condition.

Submission:

PreventionGenetics, part of Exact Sciences
Classification: Likely benign for PKD1-related condition. Last evaluated: 2024-07-31. Review status: no assertion criteria provided. Collection method: clinical testing. Allele origin: germline.
Comment: This variant is classified as likely benign based on ACMG/AMP sequence variant interpretation guidelines (Richards et al. 2015 PMID: 25741868, with internal and published modifications).

NM_001009944.3(PKD1):c.30G>C (p.Ala10=)

Gene: PKD1 (polycystin 1, transient receptor potential channel interacting; minus strand). Cytogenetic location: 16p13.3.
Variant type: single nucleotide variant.
Coding change: c.30G>C on transcript NM_001009944.3 (MANE Select); coding-DNA position 30, G replaced by C.
Protein change: p.Ala10=; no amino-acid change (alanine 10 retained).
Molecular consequence: synonymous variant.
Genome position (GRCh38, 1-based): chr16:2,135,660, C>G on the plus strand (G>C on the coding strand, the complement: PKD1 is on the minus strand). VCF-style: chr16-2135660-C-G. GRCh37 (hg19) VCF-style: chr16-2185661-C-G.
Other names: c.30G>C, p.Ala10= (NM_000296.4).
Identifiers: ClinVar variation 3354784 (VCV003354784.1).